The following is an entry in ClinVar:

NM_001042432.2(CLN3):c.191_192insTGGC (p.His65fs)

Gene: CLN3 (CLN3 lysosomal/endosomal transmembrane protein, battenin; minus strand). Cytogenetic location: 16p12.1.
Variant type: Insertion.
Coding change: c.191_192insTGGC on transcript NM_001042432.2 (MANE Select); coding-DNA positions 191 to 192, TGGC inserted.
Protein change: p.His65fs; shifts the reading frame from histidine 65.
Molecular consequence: frameshift variant. On other transcripts: 5 prime UTR variant (1).
Genome position: GRCh38 VCF-style: chr16-28489320-G-GGCCA. GRCh37 (hg19) VCF-style: chr16-28500641-G-GGCCA.
Other names: c.191_192insTGGC, p.His65fs (NM_000086.2, NM_001286104.2); c.-30_-29insTGGC (NM_001286105.2); c.29_30insTGGC, p.His11fs (NM_001286109.2, NM_001286110.2); short protein forms H11fs, H65fs.
Identifiers: ClinVar variation 4817044 (VCV004817044.1).

ClinVar aggregate classification (germline): Likely pathogenic (1 of 4 stars; one submission).

Conditions:
Juvenile neuronal ceroid lipofuscinosis. Also called: Batten Disease. Identifiers: Orphanet 79264, MedGen CN293564, MONDO:0019262.

Submission:

Natera, Inc.
Classification: Likely pathogenic for Batten Disease. Last evaluated: 2024-05-31. Review status: criteria provided, single submitter. Criteria: Natera Variant Classification Schema (03/2026). Collection method: clinical testing. Allele origin: germline.
Comment: The c.191_192insTGGC variant in CLN3 is a frameshift variant predicted to shift the reading frame beginning at codon 65 and leads to a stop codon 28 codons downstream. This variant is expected to result in nonsense mediated decay, truncation, or a dysfunctional protein product. This variant is rare in the general population with a frequency below the threshold expected for the associated phenotype(s). Given the available evidence, this variant is classified as Likely Pathogenic.